The following is an entry in ClinVar:

ClinVar aggregate classification (germline): Uncertain significance (1 of 4 stars; one submission).

Allele frequency attached by ClinVar (database versions not stated): gnomAD exomes below 0.00001; ExAC 0.00001; gnomAD 0.00001; 1000 Genomes Project 0.00020; 1000 Genomes Project 30x 0.00031.

Submission:

Labcorp Genetics (formerly Invitae), Labcorp
Classification: Uncertain significance. Last evaluated: 2022-08-27. Review status: criteria provided, single submitter. Criteria: Invitae Variant Classification Sherloc (09022015). Collection method: clinical testing. Allele origin: germline.
Comment: In summary, the available evidence is currently insufficient to determine the role of this variant in disease. Therefore, it has been classified as a Variant of Uncertain Significance. Variants that disrupt the consensus splice site are a relatively common cause of aberrant splicing (PMID: 17576681, 9536098). Algorithms developed to predict the effect of sequence changes on RNA splicing suggest that this variant is not likely to affect RNA splicing. ClinVar contains an entry for this variant (Variation ID: 958202). This variant has not been reported in the literature in individuals affected with KIF11-related conditions. This variant is present in population databases (rs142597703, gnomAD 0.007%). This sequence change falls in intron 8 of the KIF11 gene. It does not directly change the encoded amino acid sequence of the KIF11 protein. It affects a nucleotide within the consensus splice site.

Literature cited by the submitters: PubMed 17576681; PubMed 9536098.

NM_004523.4(KIF11):c.1033-3C>T

Gene: KIF11 (kinesin family member 11; plus strand). Cytogenetic location: 10q23.33.
Variant type: single nucleotide variant.
Coding change: c.1033-3C>T on transcript NM_004523.4 (MANE Select); 3 bases into the intron before coding-DNA position 1033, C replaced by T.
Molecular consequence: intron variant.
Genome position (GRCh38, 1-based): chr10:92,616,734, C>T. VCF-style: chr10-92616734-C-T. GRCh37 (hg19) VCF-style: chr10-94376491-C-T.
Identifiers: ClinVar variation 958202 (VCV000958202.10), dbSNP rs142597703, ClinGen allele CA5604112.